The following is an entry in ClinVar:

ClinVar aggregate classification (germline): Uncertain significance (1 of 4 stars; one submission).

Conditions:
Mucopolysaccharidosis, MPS-IV-A (MPS4A). Also called: Mucopolysaccharidosis type IV A; Mucopolysaccharidosis Type IVA; Morquio syndrome A, mild; MORQUIO SYNDROME A; MPS IVA; mucopolysaccharidosis type 4A. Identifiers: Orphanet 309297, Orphanet 582, MedGen C0086651, MONDO:0009659, OMIM 253000.

Submission:

Laboratory of Diagnosis and Therapy of Lysosomal Disorders, University of Padova
Classification: Uncertain significance for Mucopolysaccharidosis, MPS-IV-A. Last evaluated: 2021-02-01. Review status: criteria provided, single submitter. Criteria: ACMG Guidelines, 2015. Collection method: curation. Allele origin: germline. Affected: yes.
Comment: In vivo functional studies supportive of a damaging effect on the gene product (low to null enzymatic activity in homozygotes; PS3_supporting); absent from gnomAD v2.1.1 (PM2_moderate); multiple lines of computational evidence support a deleterious effect on the gene (PP3_supporting)

Literature cited by the submitters: PubMed 24726177; PubMed 34387910.

NM_000512.5(GALNS):c.272T>C (p.Leu91Pro)

Gene: GALNS (galactosamine (N-acetyl)-6-sulfatase; minus strand). Cytogenetic location: 16q24.3.
Variant type: single nucleotide variant.
Coding change: c.272T>C on transcript NM_000512.5 (MANE Select); coding-DNA position 272, T replaced by C.
Protein change: p.Leu91Pro; replaces leucine 91 with proline.
Molecular consequence: missense variant. On other transcripts: 5 prime UTR variant (1).
Genome position (GRCh38, 1-based): chr16:88,841,944, A>G on the plus strand (T>C on the coding strand, the complement: GALNS is on the minus strand). VCF-style: chr16-88841944-A-G. GRCh37 (hg19) VCF-style: chr16-88908352-A-G.
Other names: c.-284T>C (NM_001323543.2); c.290T>C, p.Leu97Pro (NM_001323544.2); short protein forms L91P, L97P.
Identifiers: ClinVar variation 1048450 (VCV001048450.3), dbSNP rs2143005099, ClinGen allele CA397089281.
Genomic context (GRCh38, chr16:88,841,944, plus strand): 5'-GTGGGCAGCCTACCGTTTCTGGCATGGGCGTTGGTGGTGTAGAAGCCATTGCGGATGGGT[A>G]GCCGTCCTGTGAGCAGTGCCGCCCTCGCTATGTGGAGGTGACAGAAACAGAAACTGGATA-3'
Protein context (NP_000503.1, residues 81-101): PSRAALLTGR[Leu91Pro]PIRNGFYTTN